The following is an entry in ClinVar:

NM_005732.4(RAD50):c.3483del (p.Glu1161fs)

Genes: TH2-LCR (Th2 cytokine locus control region; plus strand), RAD50 (RAD50 double strand break repair protein; plus strand), TH2LCRR (T helper type 2 locus control region associated RNA; minus strand). Cytogenetic location: 5q31.1.
Variant type: Deletion.
Coding change: c.3483del on transcript NM_005732.4 (MANE Select); coding-DNA position 3483, one base deleted (A; older notation c.3483delA).
Protein change: p.Glu1161fs; shifts the reading frame from glutamic acid 1161.
Molecular consequence: frameshift variant. On other transcripts: non-coding transcript variant (2).
Genome position (GRCh38, 1-based): chr5:132,638,088, A deleted; the last of 2 consecutive A bases (chr5:132,638,087-132,638,088); deleting either gives the same sequence. VCF-style (leftmost placement, unchanged base first): chr5-132638086-GA-G. GRCh37 (hg19) VCF-style: chr5-131973778-GA-G.
Other names: short protein forms E1161fs.
Identifiers: ClinVar variation 480413 (VCV000480413.5), dbSNP rs1554100942, ClinGen allele CA658657539.
Genomic context (GRCh38, chr5:132,638,086, plus strand): 5'-TGACAAAAGGCTACAGAGCATAGGTTCCTCTAAAATATTCTTCTTCCTGTGTCAGATATT[GA>G]ATACATAGAAATACGGTCTGATGCCGATGAAAATGTATCAGCTTCTGATAAAAGGCGGAA-3'

ClinVar aggregate classification (germline): Pathogenic (1 of 4 stars; one submission).

Conditions:
Hereditary cancer-predisposing syndrome. Also called: Hereditary Cancer Syndrome; Neoplastic Syndromes, Hereditary; Tumor predisposition; Hereditary neoplastic syndrome. Identifiers: Orphanet 140162, MedGen C0027672, MeSH D009386, MONDO:0015356.

Submission:

Ambry Genetics
Classification: Pathogenic for Hereditary cancer-predisposing syndrome. Last evaluated: 2016-02-26. Review status: criteria provided, single submitter. Criteria: Ambry Variant Classification Scheme 2023. Collection method: clinical testing. Allele origin: germline.
Comment: The c.3483delA pathogenic mutation, located in coding exon 23 of the RAD50 gene, results from a deletion of one nucleotide at nucleotide position 3483, causing a translational frameshift with a predicted alternate stop codon. Since frameshifts are typically deleterious in nature, this alteration is interpreted as a disease-causing mutation (ACMG Recommendations for Standards for Interpretation and Reporting of Sequence Variations. Revision 2007. Genet Med. 2008;10:294).